The following is an entry in ClinVar:

NM_001385682.1(MAP4):c.6422C>T (p.Ser2141Phe)

Gene: MAP4 (microtubule associated protein 4; minus strand). Cytogenetic location: 3p21.31.
Variant type: single nucleotide variant.
Coding change: c.6422C>T on transcript NM_001385682.1 (MANE Select); coding-DNA position 6422, C replaced by T.
Protein change: p.Ser2141Phe; replaces serine 2141 with phenylalanine.
Molecular consequence: missense variant. On other transcripts: intron variant (51).
Genome position (GRCh38, 1-based): chr3:47,867,325, G>A on the plus strand (C>T on the coding strand, the complement: MAP4 is on the minus strand). VCF-style: chr3-47867325-G-A. GRCh37 (hg19) VCF-style: chr3-47908815-G-A.
Other names: c.2667+3488C>T (NM_001384757.1); c.2574+3488C>T (NM_001384811.1, NM_001384787.1); c.2745+3533C>T (NM_001384857.1); c.2790+3488C>T (NM_001384783.1, NM_001384869.1); c.2904+1889C>T (NM_001384777.1); c.2622+3488C>T (NM_001384807.1, NM_001384803.1); c.2700+3533C>T (NM_001384841.1, NM_001384758.1); c.2745+3488C>T (NM_001384825.1); and 75 more; short protein forms S1008F, S1013F, S1025F, S2063F, S2064F, S2103F, S2141F, S468F.
Identifiers: ClinVar variation 3039009 (VCV003039009.19), dbSNP rs150907099, ClinGen allele CA2370675.

ClinVar aggregate classification (germline): Likely benign. Review status: criteria provided, single submitter (1 of 4 stars). 2 submissions from 2 submitters: Likely benign (1). 1 of the submissions does not count toward it. Last evaluated 2025-05-01.

Conditions:
MAP4-related disorder. Also called: MAP4-related condition.

Allele frequency attached by ClinVar (database versions not stated): 1000 Genomes Project 0.00180; 1000 Genomes Project 30x 0.00203; ExAC 0.00313; ESP Exome Variant Server 0.00323; gnomAD 0.00334; TOPMed 0.00334; gnomAD exomes 0.00447.
gnomAD v4.1: 7,050 of 1,611,796 alleles (0.44%); highest among the groups gnomAD compares: Non-Finnish European, 0.53%; 30 homozygotes.

Submissions (2):

CeGaT Center for Human Genetics Tuebingen
Classification: Likely benign. Last evaluated: 2025-05-01. Review status: criteria provided, single submitter. Criteria: CeGaT Center For Human Genetics Tuebingen Variant Classification Criteria Version 2. Collection method: clinical testing. Allele origin: germline. Affected: yes. Observed: 3 variant alleles.
Comment: MAP4: BS2

PreventionGenetics, part of Exact Sciences
Classification: Likely benign for MAP4-related condition. Last evaluated: 2022-03-16. Review status: no assertion criteria provided. Collection method: clinical testing. Allele origin: germline. Not counted in ClinVar's aggregate classification.
Comment: This variant is classified as likely benign based on ACMG/AMP sequence variant interpretation guidelines (Richards et al. 2015 PMID: 25741868, with internal and published modifications).